The following is an entry in ClinVar:

NM_001006630.2(CHRM2):c.17del (p.Asn6fs)

Genes: CHRM2 (cholinergic receptor muscarinic 2; plus strand), LOC349160 (uncharacterized LOC349160; minus strand). Cytogenetic location: 7q33.
Variant type: Deletion.
Coding change: c.17del on transcript NM_001006630.2 (MANE Select); coding-DNA position 17, one base deleted (A; older notation c.17delA).
Protein change: p.Asn6fs; shifts the reading frame from asparagine 6.
Molecular consequence: frameshift variant.
Genome position (GRCh38, 1-based): chr7:137,014,882, A deleted; the last of 3 consecutive A bases (chr7:137,014,880-137,014,882); deleting any one gives the same sequence. VCF-style (leftmost placement, unchanged base first): chr7-137014879-CA-C. GRCh37 (hg19) VCF-style: chr7-136699626-CA-C.
Other names: c.17del, p.Asn6fs (NM_001006632.3, NM_001378972.1, NM_001378973.1 and 6 more transcripts); short protein forms N6fs.
Identifiers: ClinVar variation 2767906 (VCV002767906.3), dbSNP rs2536203215, ClinGen allele CA2697557633.
Genomic context (GRCh38, chr7:137,014,879, plus strand): 5'-GGTTTAAATGTTTATTTGCTACTTGGCTACTGATTAGAGAACGCAAAATGAATAACTCAA[CA>C]AACTCCTCTAACAATAGCCTGGCTCTTACAAGTCCTTATAAGACATTTGAAGTGGTGTTT-3'

ClinVar aggregate classification (germline): Uncertain significance (1 of 4 stars; one submission).

Submission:

Labcorp Genetics (formerly Invitae), Labcorp
Classification: Uncertain significance. Last evaluated: 2023-10-13. Review status: criteria provided, single submitter. Criteria: Invitae Variant Classification Sherloc (09022015). Collection method: clinical testing. Allele origin: germline.
Comment: This sequence change creates a premature translational stop signal (p.Asn6Thrfs*31) in the CHRM2 gene. While this is not anticipated to result in nonsense mediated decay, it is expected to disrupt the last 461 amino acid(s) of the CHRM2 protein. This variant is not present in population databases (gnomAD no frequency). This variant has not been reported in the literature in individuals affected with CHRM2-related conditions. In summary, the available evidence is currently insufficient to determine the role of this variant in disease. Therefore, it has been classified as a Variant of Uncertain Significance.